The following is an entry in ClinVar:

NM_015057.5(MYCBP2):c.9635_9641dup (p.Ala3215fs)

Gene: MYCBP2 (MYC binding protein 2; minus strand). Cytogenetic location: 13q22.3.
Variant type: Microsatellite.
Coding change: c.9635_9641dup on transcript NM_015057.5 (MANE Select); coding-DNA positions 9635 to 9641, 7 bases duplicated (AAGAAAA; older notation c.9635_9641dupAAGAAAA).
Protein change: p.Ala3215fs; shifts the reading frame from alanine 3215.
Molecular consequence: frameshift variant.
Genome position (GRCh38, 1-based): chr13:77,097,513-77,097,519, TTTTCTT duplicated on the plus strand (AAGAAAA on the coding strand, the reverse complement: MYCBP2 is on the minus strand); duplicating any 7 consecutive bases within chr13:77,097,513-77,097,530 gives the same sequence; the c. name uses the placement nearest the transcript's 3' end. VCF-style (leftmost placement, unchanged base first): chr13-77097512-C-CTTTTCTT. GRCh37 (hg19) VCF-style: chr13-77671647-C-CTTTTCTT.
Other names: short protein forms A3215fs.
Identifiers: ClinVar variation 3297261 (VCV003297261.1).
Genomic context (GRCh38, chr13:77,097,512, plus strand): 5'-TCCTCCTACTGCCAGCTGGGCCATCTCTCCAAACAAATTACCCCTGGGCCTAACTTCTGC[C>CTTTTCTT]TTTTCTTTTTTCTTTTTTTCCTTTTTGGACTTCTTATTCTCTTTCTCACACTCTTTCTTT-3'

ClinVar aggregate classification (germline): Uncertain significance (1 of 4 stars; one submission).

Conditions:
Inborn genetic diseases. Identifiers: MedGen C0950123, MeSH D030342.

Submission:

Ambry Genetics
Classification: Uncertain significance for Inborn genetic diseases. Last evaluated: 2024-04-24. Review status: criteria provided, single submitter. Criteria: Ambry Variant Classification Scheme 2023. Collection method: clinical testing. Allele origin: germline.
Comment: The c.9635_9641dupAAGAAAA (p.A3215Rfs*6) alteration, located in exon 56 (coding exon 56) of the MYCBP2 gene, consists of a duplication of AAGAAAA at position 9635, causing a translational frameshift with a predicted alternate stop codon after 6 amino acids. This alteration is expected to result in premature protein truncation or nonsense-mediated mRNA decay. However, loss of function of MYCBP2 has not been established as a mechanism of disease. This variant was not reported in population-based cohorts in the Genome Aggregation Database (gnomAD). Based on insufficient or conflicting evidence, the clinical significance of this alteration remains unclear.